The following is an entry in ClinVar:

ClinVar aggregate classification (germline): Uncertain significance. Review status: criteria provided, multiple submitters, no conflicts (2 of 4 stars). 2 submissions from 2 submitters: Uncertain significance (2). Last evaluated 2023-01-21.

Allele frequency attached by ClinVar (database versions not stated): gnomAD exomes 0.00001; ExAC 0.00002.

Submissions (2):

Labcorp Genetics (formerly Invitae), Labcorp
Classification: Uncertain significance. Last evaluated: 2023-01-21. Review status: criteria provided, single submitter. Criteria: Invitae Variant Classification Sherloc (09022015). Collection method: clinical testing. Allele origin: germline.
Comment: This variant, c.7990_7992dup, results in the insertion of 1 amino acid(s) of the TRRAP protein (p.Cys2664dup), but otherwise preserves the integrity of the reading frame. This variant is present in population databases (rs751491228, gnomAD 0.01%). This variant has not been reported in the literature in individuals affected with TRRAP-related conditions. ClinVar contains an entry for this variant (Variation ID: 1723497). Experimental studies and prediction algorithms are not available or were not evaluated, and the functional significance of this variant is currently unknown. In summary, the available evidence is currently insufficient to determine the role of this variant in disease. Therefore, it has been classified as a Variant of Uncertain Significance.

GeneDx
Classification: Uncertain significance. Last evaluated: 2022-04-29. Review status: criteria provided, single submitter. Criteria: GeneDx Variant Classification Process June 2021. Collection method: clinical testing. Allele origin: germline. Affected: yes.
Comment: In-frame insertion of 1 amino acid in a non-repeat region; Has not been previously published as pathogenic or benign to our knowledge

NM_001375524.1(TRRAP):c.8065_8067dup (p.Cys2689_Val2690insCys)

Gene: TRRAP (transformation/transcription domain associated protein; plus strand). Cytogenetic location: 7q22.1.
Variant type: Duplication.
Coding change: c.8065_8067dup on transcript NM_001375524.1 (MANE Select); coding-DNA positions 8065 to 8067, 3 bases duplicated (TGC; older notation c.8065_8067dupTGC).
Protein change: p.Cys2689_Val2690insCys.
Molecular consequence: inframe insertion.
Genome position (GRCh38, 1-based): chr7:98,976,588-98,976,590, TGC duplicated. VCF-style (leftmost placement, unchanged base first): chr7-98976587-G-GTGC. GRCh37 (hg19) VCF-style: chr7-98574210-G-GTGC.
Other names: c.8044_8046dup, p.Cys2682_Val2683insCys (NM_001244580.2); c.7990_7992dup, p.Cys2664_Val2665insCys (NM_003496.4).
Identifiers: ClinVar variation 1723497 (VCV001723497.5), dbSNP rs751491228, ClinGen allele CA4361321.